The following is an entry in ClinVar:

ClinVar aggregate classification (germline): Pathogenic. Review status: criteria provided, multiple submitters, no conflicts (2 of 4 stars). 10 submissions from 9 submitters: Pathogenic (9). 1 of the submissions does not count toward it. Last evaluated 2025-07-07.

Conditions:
Retinal dystrophy. Also called: Inherited retinal dystrophy. Identifiers: Orphanet 71862, MedGen C0854723, MeSH D058499, MONDO:0019118, HP:0000556.
Retinitis pigmentosa 40 (RP40). Identifiers: Orphanet 791, MedGen C3151107, MONDO:0013429, OMIM 613801.
Autosomal recessive retinitis pigmentosa. Identifiers: MedGen C0339526.
PDE6B-related disorder. Also called: PDE6B-related disease; PDE6B-related condition; PDE6B-related disorders.
Retinitis pigmentosa (RP). Identifiers: Orphanet 791, MedGen C0035334, MeSH D012174, MONDO:0019200, OMIM 268000. Inheritance: Autosomal dominant, autosomal recessive and X linked inheritance.

Allele frequency attached by ClinVar (database versions not stated): TOPMed 0.00001.
gnomAD v4.1: 6 of 1,613,738 alleles (0.00037%); highest among the groups gnomAD compares: Admixed American, 0.0017%; no homozygotes.

Submissions (10):

Labcorp Genetics (formerly Invitae), Labcorp
Classification: Pathogenic. Last evaluated: 2025-07-07. Review status: criteria provided, single submitter. Criteria: Invitae Variant Classification Sherloc (09022015). Collection method: clinical testing. Allele origin: germline.
Comment: This sequence change creates a premature translational stop signal (p.Cys270*) in the PDE6B gene. It is expected to result in an absent or disrupted protein product. Loss-of-function variants in PDE6B are known to be pathogenic (PMID: 8394174, 8595886, 22334370). This variant is present in population databases (no rsID available, gnomAD 0.0009%). This premature translational stop signal has been observed in individual(s) with autosomal recessive retinitis pigmentosa (PMID: 9238087). ClinVar contains an entry for this variant (Variation ID: 856142). For these reasons, this variant has been classified as Pathogenic.

PreventionGenetics, part of Exact Sciences
Classification: Pathogenic for PDE6B-related condition. Last evaluated: 2025-04-29. Review status: criteria provided, single submitter. Criteria: ACMG Guidelines, 2015. Collection method: clinical testing. Allele origin: germline.
Comment: The PDE6B c.810C>A variant is predicted to result in premature protein termination (p.Cys270*). This variant has been reported in the homozygous and compound heterozygous states in individuals with autosomal recessive retinitis pigmentosa (see for examples: Danciger et al. 1996. PubMed ID: 9238087; Sheck et al. 2021. PubMed ID: 33749171; Table S1, Maltese et al. 2022. PubMed ID: 35836572). This variant is present in 0.00088% of alleles in individuals of European (Non-Finnish) descent in gnomAD. Nonsense variants in PDE6B are an established mechanism of disease. This variant is interpreted as pathogenic.

GeneDx
Classification: Pathogenic. Last evaluated: 2025-01-14. Review status: criteria provided, single submitter. Criteria: GeneDx Variant Classification Process June 2021. Collection method: clinical testing. Allele origin: germline. Affected: yes.
Comment: Not observed at significant frequency in large population cohorts (gnomAD); Nonsense variant predicted to result in protein truncation or nonsense mediated decay in a gene for which loss of function is a known mechanism of disease; This variant is associated with the following publications: (PMID: 25525159, 38219857, 23105016, 21151602, 27353947, 9238087, 35836572, 31964843, 33749171)

Dasa
Classification: Pathogenic for Retinitis pigmentosa. Last evaluated: 2024-12-03. Review status: criteria provided, single submitter. Criteria: DASA Assertion Criteria. Collection method: clinical testing. Allele origin: germline. Observed: 1 variant allele.
Comment: NM_000283.4(PDE6B):c.810C>A (p.Cys270*) introduces a premature termination codon resulting in truncation of the PDE6B protein. Loss-of-function is an established mechanism of disease for this gene. This variant has been reported in individuals with retinitis pigmentosa in a recessive context. Based on the available data, this variant is classified as Pathogenic.

Dasa
Classification: Pathogenic for Retinitis pigmentosa 40. Last evaluated: 2024-12-03. Review status: criteria provided, single submitter. Criteria: DASA Assertion Criteria. Collection method: clinical testing. Allele origin: germline.
Comment: NM_000283.4(PDE6B):c.810C>A (p.Cys270*) introduces a premature termination codon predicted to result in loss of normal protein function. Loss-of-function is an established mechanism of disease for this gene. This variant has been observed in affected individuals with Retinitis pigmentosa 40 in a genotype context consistent with recessive disease. The variant is present at low frequency in population datasets. Based on the available data, this variant is classified as pathogenic.

Blueprint Genetics
Classification: Pathogenic for PDE6B-related disorders. Last evaluated: 2024-07-24. Review status: criteria provided, single submitter. Criteria: ACMG Guidelines, 2015. Collection method: clinical testing. Allele origin: germline. Affected: yes. Observed: 5 variant alleles.

Broad Center for Mendelian Genomics, Broad Institute of MIT and Harvard
Classification: Pathogenic for Retinitis pigmentosa. Last evaluated: 2021-04-01. Review status: criteria provided, single submitter. Criteria: ACMG Guidelines, 2015. Collection method: curation. Allele origin: germline. Inheritance: Autosomal recessive inheritance. Affected: yes.
Comment: Through a review of available evidence we were able to apply the following criteria: PVS1, PM2, PP1. Based on this evidence we have classified this variant as Pathogenic. If you have any questions about the classification please reach out to the Pierce Lab.

Centre of Medical Genetics, University Hospital Muenster
Classification: Pathogenic. Last evaluated: 2020-02-13. Review status: criteria provided, single submitter. Criteria: ACMG Guidelines, 2015. Collection method: clinical testing. Allele origin: unknown. Affected: yes. Observed: 1 variant allele, 1 homozygote.

Institute of Human Genetics, Univ. Regensburg, Univ. Regensburg
Classification: Pathogenic for Retinal dystrophy. Last evaluated: 2020-01-01. Review status: criteria provided, single submitter. Criteria: ACMG Guidelines, 2015. Collection method: clinical testing. Allele origin: germline. Affected: yes.

Faculty of Health Sciences, Beirut Arab University
Classification: Pathogenic for Autosomal recessive Retinitis Pigmentosa. Last evaluated: 2012-10-26. Review status: no assertion criteria provided. Collection method: literature only. Allele origin: germline. Affected: yes. Observed: 1 variant allele. Not counted in ClinVar's aggregate classification.

Literature cited by the submitters: PubMed 8394174 (cited by Labcorp Genetics (formerly Invitae), Labcorp); PubMed 8595886 (cited by Labcorp Genetics (formerly Invitae), Labcorp); PubMed 22334370 (cited by Labcorp Genetics (formerly Invitae), Labcorp); PubMed 9238087 (cited by 3 submitters); PubMed 34906470 (cited by Broad Center for Mendelian Genomics, Broad Institute of MIT and Harvard); PubMed 25525159 (cited by Broad Center for Mendelian Genomics, Broad Institute of MIT and Harvard and Institute of Human Genetics, Univ. Regensburg, Univ. Regensburg); PubMed 31964843 (cited by Institute of Human Genetics, Univ. Regensburg, Univ. Regensburg); PubMed 33749171 (cited by Institute of Human Genetics, Univ. Regensburg, Univ. Regensburg); PubMed 35836572 (cited by Institute of Human Genetics, Univ. Regensburg, Univ. Regensburg); PubMed 23105016 (cited by Faculty of Health Sciences, Beirut Arab University).

NM_000283.4(PDE6B):c.810C>A (p.Cys270Ter)

Genes: PDE6B (phosphodiesterase 6B; plus strand), PDE6B-AS1 (PDE6B antisense RNA 1; minus strand). Cytogenetic location: 4p16.3.
Variant type: single nucleotide variant.
Coding change: c.810C>A on transcript NM_000283.4 (MANE Select); coding-DNA position 810, C replaced by A.
Protein change: p.Cys270Ter; replaces cysteine 270 with a stop codon.
Molecular consequence: nonsense. On other transcripts: 5 prime UTR variant (5).
Genome position (GRCh38, 1-based): chr4:653,950, C>A. VCF-style: chr4-653950-C-A. GRCh37 (hg19) VCF-style: chr4-647739-C-A.
Other names: c.810C>A, p.Cys270Ter (NM_001145291.2); c.-28C>A (NM_001145292.2, NM_001350154.3, NM_001379246.1 and 1 more transcripts); c.-231C>A (NM_001350155.3); short protein forms C270*.
Identifiers: ClinVar variation 856142 (VCV000856142.23), dbSNP rs145605739, ClinGen allele CA355911385.